The following is an entry in ClinVar:

ClinVar aggregate classification (germline): Uncertain significance. Review status: criteria provided, multiple submitters, no conflicts (2 of 4 stars). 3 submissions from 3 submitters: Uncertain significance (2). 1 of the submissions does not count toward it. Last evaluated 2025-10-14.

Conditions:
Duchenne muscular dystrophy (DMD). Also called: MUSCULAR DYSTROPHY, PSEUDOHYPERTROPHIC PROGRESSIVE, DUCHENNE TYPE; Duchenne Muscular Dystrophy (DMD). Identifiers: Orphanet 98896, MedGen C0013264, MONDO:0010679, OMIM 310200.
Dystrophin deficiency.
Becker muscular dystrophy (BMD). Also called: MUSCULAR DYSTROPHY, PSEUDOHYPERTROPHIC PROGRESSIVE, BECKER TYPE; Becker Muscular Dystrophy (BMD). Identifiers: Orphanet 98895, MedGen C0917713, MONDO:0010311, OMIM 300376.
Cardiomyopathy (CMYO). Also called: Cardiomyopathies. Identifiers: Orphanet 167848, MedGen C0878544, MONDO:0004994, HP:0001638. Inheritance: Various modes of inheritance.

Allele frequency attached by ClinVar (database versions not stated): gnomAD 0.00001; TOPMed 0.00002; ESP Exome Variant Server 0.00009.
gnomAD v4.1: 1 of 1,207,251 alleles (0.000083%); highest among the groups gnomAD compares: African/African-American, 0.0018%; no homozygotes.

Submissions (3):

Labcorp Genetics (formerly Invitae), Labcorp
Classification: Uncertain significance for Duchenne muscular dystrophy. Last evaluated: 2025-10-14. Review status: criteria provided, single submitter. Criteria: Invitae Variant Classification Sherloc (09022015). Collection method: clinical testing. Allele origin: germline.
Comment: This sequence change replaces glutamic acid, which is acidic and polar, with valine, which is neutral and non-polar, at codon 1045 of the DMD protein (p.Glu1045Val). This variant is not present in population databases (gnomAD no frequency). This variant has not been reported in the literature in individuals affected with DMD-related conditions. ClinVar contains an entry for this variant (Variation ID: 1007388). Invitae Evidence Modeling of protein sequence and biophysical properties (such as structural, functional, and spatial information, amino acid conservation, physicochemical variation, residue mobility, and thermodynamic stability) indicates that this missense variant is not expected to disrupt DMD protein function with a negative predictive value of 95%. In summary, the available evidence is currently insufficient to determine the role of this variant in disease. Therefore, it has been classified as a Variant of Uncertain Significance.

GeneDx
Classification: Uncertain significance. Last evaluated: 2023-05-17. Review status: criteria provided, single submitter. Criteria: GeneDx Variant Classification Process June 2021. Collection method: clinical testing. Allele origin: germline. Affected: yes.
Comment: Not observed at significant frequency in large population cohorts (gnomAD); In silico analysis supports that this missense variant has a deleterious effect on protein structure/function; Missense variant in a gene in which most reported pathogenic variants are truncating/loss of function; Has not been previously published as pathogenic or benign to our knowledge

Natera, Inc.
Classification: Uncertain significance for Becker muscular dystrophy; Cardiomyopathy; Duchenne muscular dystrophy; Dystrophin deficiency. Last evaluated: 2018-06-30. Review status: no assertion criteria provided. Collection method: clinical testing. Allele origin: germline. Not counted in ClinVar's aggregate classification.

NM_004006.3(DMD):c.3134A>T (p.Glu1045Val)

Gene: DMD (dystrophin; minus strand). Cytogenetic location: Xp21.1.
Variant type: single nucleotide variant.
Coding change: c.3134A>T on transcript NM_004006.3 (MANE Select); coding-DNA position 3134, A replaced by T.
Protein change: p.Glu1045Val; replaces glutamic acid 1045 with valine.
Molecular consequence: missense variant.
Genome position (GRCh38, 1-based): chrX:32,468,526, T>A on the plus strand (A>T on the coding strand, the complement: DMD is on the minus strand). VCF-style: chrX-32468526-T-A. GRCh37 (hg19) VCF-style: chrX-32486643-T-A.
Other names: c.3110A>T, p.Glu1037Val (NM_000109.4); c.3122A>T, p.Glu1041Val (NM_004009.3); c.2765A>T, p.Glu922Val (NM_004010.3); c.3134A>T (NM_004006.2); short protein forms E1037V, E1041V, E1045V, E922V.
Identifiers: ClinVar variation 1007388 (VCV001007388.12), dbSNP rs373495745, ClinGen allele CA328004653.